The following is an entry in ClinVar:

ClinVar aggregate classification (germline): Uncertain significance. Review status: criteria provided, multiple submitters, no conflicts (2 of 4 stars). 2 submissions from 2 submitters: Uncertain significance (2). Last evaluated 2021-11-12.

Conditions:
Hereditary cancer-predisposing syndrome. Also called: Hereditary Cancer Syndrome; Hereditary neoplastic syndrome; Neoplastic Syndromes, Hereditary; Tumor predisposition. Identifiers: Orphanet 140162, MedGen C0027672, MeSH D009386, MONDO:0015356.

Allele frequency attached by ClinVar (database versions not stated): gnomAD exomes below 0.00001.
gnomAD v4.1: 1 of 1,613,856 alleles (0.000062%); highest among the groups gnomAD compares: Non-Finnish European, 0.000085%; no homozygotes.

Submissions (2):

Ambry Genetics
Classification: Uncertain significance for Hereditary cancer-predisposing syndrome. Last evaluated: 2021-11-12. Review status: criteria provided, single submitter. Criteria: Ambry Variant Classification Scheme 2023. Collection method: clinical testing. Allele origin: germline.
Comment: The p.V972I variant (also known as c.2914G>A), located in coding exon 21 of the MSH3 gene, results from a G to A substitution at nucleotide position 2914. The valine at codon 972 is replaced by isoleucine, an amino acid with highly similar properties. This amino acid position is conserved. In addition, the in silico prediction for this alteration is inconclusive. Since supporting evidence is limited at this time, the clinical significance of this alteration remains unclear.

Labcorp Genetics (formerly Invitae), Labcorp
Classification: Uncertain significance. Last evaluated: 2018-06-06. Review status: criteria provided, single submitter. Criteria: Invitae Variant Classification Sherloc (09022015). Collection method: clinical testing. Allele origin: germline.
Comment: Algorithms developed to predict the effect of missense changes on protein structure and function are either unavailable or do not agree on the potential impact of this missense change (SIFT: "Tolerated"; PolyPhen-2: "Probably Damaging"; Align-GVGD: "Class C0"). In summary, the available evidence is currently insufficient to determine the role of this variant in disease. Therefore, it has been classified as a Variant of Uncertain Significance. This variant has not been reported in the literature in individuals with MSH3-related disease. This sequence change replaces valine with isoleucine at codon 972 of the MSH3 protein (p.Val972Ile). The valine residue is moderately conserved and there is a small physicochemical difference between valine and isoleucine. This variant is not present in population databases (ExAC no frequency).

NM_002439.5(MSH3):c.2914G>A (p.Val972Ile)

Gene: MSH3 (mutS homolog 3; plus strand). Cytogenetic location: 5q14.1.
Variant type: single nucleotide variant.
Coding change: c.2914G>A on transcript NM_002439.5 (MANE Select); coding-DNA position 2914, G replaced by A.
Protein change: p.Val972Ile; replaces valine 972 with isoleucine.
Molecular consequence: missense variant.
Genome position (GRCh38, 1-based): chr5:80,854,230, G>A. VCF-style: chr5-80854230-G-A. GRCh37 (hg19) VCF-style: chr5-80150049-G-A.
Other names: short protein forms V972I.
Identifiers: ClinVar variation 1063752 (VCV001063752.11), dbSNP rs2112106493, ClinGen allele CA360275677.
Genomic context (GRCh38, chr5:80,854,230, plus strand): 5'-TTTATGGAAGAACTGACTGACACAGCAGAAATAATCAGAAAAGCAACATCACAGTCCTTG[G>A]TTATCTTGGATGAACTAGGAAGAGGGACGAGCACTCATGATGGAATTGCCATTGCCTATG-3'
Protein context (NP_002430.3, residues 962-982): IIRKATSQSL[Val972Ile]ILDELGRGTS